The following is an entry in ClinVar:

NM_021620.4(PRDM13):c.1077CCA[6] (p.His362_His363dup)

Genes: PRDM13 (PR/SET domain 13; plus strand), LOC129996881 (ATAC-STARR-seq lymphoblastoid silent region 17422; plus strand). Cytogenetic location: 6q16.2.
Variant type: Microsatellite.
Coding change: c.1077CCA[6] on transcript NM_021620.4 (MANE Select); six copies in a row of the 3-base unit CCA starting at c.1077; the reference has four copies in a row; two copies, 6 bases duplicated.
Protein change: p.His362_His363dup.
Molecular consequence: inframe insertion.
Genome position (GRCh38, 1-based): chr6:99,613,718-99,613,723, CCACCA duplicated; duplicating any 6 consecutive bases within chr6:99,613,710-99,613,723 gives the same sequence; the position shown is the placement nearest the transcript's 3' end. VCF-style (leftmost placement, unchanged base first): chr6-99613709-G-GCACCAC. GRCh37 (hg19) VCF-style: chr6-100061585-G-GCACCAC.
Identifiers: ClinVar variation 935301 (VCV000935301.10), dbSNP rs753735172, ClinGen allele CA913109315.
Genomic context (GRCh38, chr6:99,613,709, plus strand): 5'-CCCCGGGAGCGGGGAGAACTCGGCGGCGGGCGGCGCGGGTCACCACCATCACCACCACGC[G>GCACCAC]CACCACCACCACCATCCCAAGTGCCTGCTCGCTGGGGACCCGCCGCCGCCGCCGCCGCCT-3'

ClinVar aggregate classification (germline): Uncertain significance (1 of 4 stars; one submission).

Submission:

Labcorp Genetics (formerly Invitae), Labcorp
Classification: Uncertain significance. Last evaluated: 2025-04-28. Review status: criteria provided, single submitter. Criteria: Invitae Variant Classification Sherloc (09022015). Collection method: clinical testing. Allele origin: germline.
Comment: This variant, c.1083_1088dup, results in the insertion of 2 amino acid(s) of the PRDM13 protein (p.His362_His363dup), but otherwise preserves the integrity of the reading frame. This variant is not present in population databases (gnomAD no frequency). This variant has not been reported in the literature in individuals affected with PRDM13-related conditions. ClinVar contains an entry for this variant (Variation ID: 935301). Experimental studies and prediction algorithms are not available or were not evaluated, and the functional significance of this variant is currently unknown. In summary, the available evidence is currently insufficient to determine the role of this variant in disease. Therefore, it has been classified as a Variant of Uncertain Significance.